The following is an entry in ClinVar:

ClinVar aggregate classification (germline): Uncertain significance (1 of 4 stars; one submission).

Submission:

GeneDx
Classification: Uncertain significance. Last evaluated: 2026-02-11. Review status: criteria provided, single submitter. Criteria: GeneDx Variant Classification Process June 2021. Collection method: clinical testing. Allele origin: germline.
Comment: Not observed at significant frequency in large population cohorts (gnomAD); In silico analysis suggests that this missense variant does not alter protein structure/function; Has not been previously published as pathogenic or benign to our knowledge

NM_001370785.2(LRRC7):c.1333A>G (p.Ile445Val)

Gene: LRRC7 (leucine rich repeat containing 7; plus strand). Cytogenetic location: 1p31.1.
Variant type: single nucleotide variant.
Coding change: c.1333A>G on transcript NM_001370785.2 (MANE Select); coding-DNA position 1333, A replaced by G.
Protein change: p.Ile445Val; replaces isoleucine 445 with valine.
Molecular consequence: missense variant.
Genome position (GRCh38, 1-based): chr1:70,018,731, A>G. VCF-style: chr1-70018731-A-G. GRCh37 (hg19) VCF-style: chr1-70484414-A-G.
Other names: NM_020794.2:c.1219A>G; c.1234A>G, p.Ile412Val (NM_001330635.3, NM_001366839.3, NM_001366841.1); c.1336A>G, p.Ile446Val (NM_001350216.3); c.1333A>G, p.Ile445Val (NM_001366838.3); short protein forms I412V, I445V, I446V.
Identifiers: ClinVar variation 4975879 (VCV004975879.1).